The following is an entry in ClinVar:

ClinVar aggregate classification (germline): Likely benign (1 of 4 stars; one submission).

Submission:

CeGaT Center for Human Genetics Tuebingen
Classification: Likely benign. Last evaluated: 2023-01-01. Review status: criteria provided, single submitter. Criteria: CeGaT Center For Human Genetics Tuebingen Variant Classification Criteria Version 2. Collection method: clinical testing. Allele origin: germline. Affected: yes. Observed: 1 variant allele.
Comment: ENSG00000286288: BS2

NC_000020.11:g.1839696G>A

Variant type: single nucleotide variant.
Genome position: GRCh38 VCF-style: chr20-1839696-G-A. GRCh37 (hg19) VCF-style: chr20-1820342-G-A.
Identifiers: ClinVar variation 2652137 (VCV002652137.23), dbSNP rs371405248, ClinGen allele CA310357583.
Genomic context (GRCh38, chr20:1,839,696, plus strand): 5'-GTGACTCGGAAGACAATAAATATAGGAACAAAGCAACAGCTAAGAGTGACTCGGAAGACA[G>A]TAAATACAGGAACAAAGCAACAGCGAAGAGTGACTCGGAAGACAGTAAATACAGGAACAA-3'